The following is an entry in ClinVar:

NM_006231.4(POLE):c.5215A>T (p.Ile1739Phe)

Gene: POLE (DNA polymerase epsilon, catalytic subunit; minus strand). Cytogenetic location: 12q24.33.
Variant type: single nucleotide variant.
Coding change: c.5215A>T on transcript NM_006231.4 (MANE Select); coding-DNA position 5215, A replaced by T.
Protein change: p.Ile1739Phe; replaces isoleucine 1739 with phenylalanine.
Molecular consequence: missense variant.
Genome position (GRCh38, 1-based): chr12:132,641,810, T>A on the plus strand (A>T on the coding strand, the complement: POLE is on the minus strand). VCF-style: chr12-132641810-T-A. GRCh37 (hg19) VCF-style: chr12-133218396-T-A.
Other names: short protein forms I1739F.
Identifiers: ClinVar variation 4672649 (VCV004672649.1).

ClinVar aggregate classification (germline): Uncertain significance (1 of 4 stars; one submission).

Conditions:
Hereditary cancer-predisposing syndrome. Also called: Neoplastic Syndromes, Hereditary; Tumor predisposition; Hereditary Cancer Syndrome; Hereditary neoplastic syndrome. Identifiers: Orphanet 140162, MedGen C0027672, MeSH D009386, MONDO:0015356.

Submission:

Ambry Genetics
Classification: Uncertain significance for Hereditary cancer-predisposing syndrome. Last evaluated: 2025-12-04. Review status: criteria provided, single submitter. Criteria: Ambry Variant Classification Scheme 2023. Collection method: clinical testing. Allele origin: germline.
Comment: The p.I1739F variant (also known as c.5215A>T), located in coding exon 39 of the POLE gene, results from an A to T substitution at nucleotide position 5215. The isoleucine at codon 1739 is replaced by phenylalanine, an amino acid with highly similar properties. This amino acid position is not well conserved in available vertebrate species. In addition, this alteration is predicted to be tolerated by in silico analysis. Based on the available evidence, the clinical significance of this variant remains unclear.